The following is an entry in ClinVar:

NM_001145809.2(MYH14):c.2349G>A (p.Arg783=)

Gene: MYH14 (myosin heavy chain 14; plus strand). Cytogenetic location: 19q13.33.
Variant type: single nucleotide variant.
Coding change: c.2349G>A on transcript NM_001145809.2 (MANE Select); coding-DNA position 2349, G replaced by A.
Protein change: p.Arg783=; no amino-acid change (arginine 783 retained).
Molecular consequence: synonymous variant.
Genome position (GRCh38, 1-based): chr19:50,259,260, G>A. VCF-style: chr19-50259260-G-A. GRCh37 (hg19) VCF-style: chr19-50762517-G-A.
Other names: c.2250G>A, p.Arg750= (NM_001077186.2); c.2226G>A, p.Arg742= (NM_024729.4).
Identifiers: ClinVar variation 3234805 (VCV003234805.20), dbSNP rs2514382140, ClinGen allele CA508175395.

ClinVar aggregate classification (germline): Likely benign (1 of 4 stars; one submission).

Allele frequency attached by ClinVar (database versions not stated): gnomAD exomes below 0.00001.
gnomAD v4.1: 1 of 1,576,416 alleles (0.000063%); highest among the groups gnomAD compares: Non-Finnish European, 0.000086%; no homozygotes.

Submission:

CeGaT Center for Human Genetics Tuebingen
Classification: Likely benign. Last evaluated: 2024-04-01. Review status: criteria provided, single submitter. Criteria: CeGaT Center For Human Genetics Tuebingen Variant Classification Criteria Version 2. Collection method: clinical testing. Allele origin: germline. Affected: yes. Observed: 1 variant allele.
Comment: MYH14: PM2:Supporting, BP4, BP7